The following is an entry in ClinVar:

ClinVar aggregate classification (germline): Likely benign (0 of 4 stars; one submission).

Conditions:
VPS13B-related disorder. Also called: VPS13B-related condition.

Submission:

PreventionGenetics, part of Exact Sciences
Classification: Likely benign for VPS13B-related condition. Last evaluated: 2024-07-11. Review status: no assertion criteria provided. Collection method: clinical testing. Allele origin: germline.
Comment: This variant is classified as likely benign based on ACMG/AMP sequence variant interpretation guidelines (Richards et al. 2015 PMID: 25741868, with internal and published modifications).

NM_152564.5(VPS13B):c.4128G>A (p.Glu1376=)

Gene: VPS13B (vacuolar protein sorting 13 homolog B; plus strand). Cytogenetic location: 8q22.2.
Variant type: single nucleotide variant.
Coding change: c.4128G>A on transcript NM_152564.5 (MANE Select); coding-DNA position 4128, G replaced by A.
Protein change: p.Glu1376=; no amino-acid change (glutamic acid 1376 retained).
Molecular consequence: synonymous variant.
Genome position (GRCh38, 1-based): chr8:99,502,921, G>A. VCF-style: chr8-99502921-G-A. GRCh37 (hg19) VCF-style: chr8-100515149-G-A.
Other names: c.4128G>A, p.Glu1376= (NM_017890.5).
Identifiers: ClinVar variation 3351492 (VCV003351492.1).